The following is an entry in ClinVar:

NM_017763.6(RNF43):c.938T>C (p.Met313Thr)

Gene: RNF43 (ring finger protein 43; minus strand). Cytogenetic location: 17q22.
Variant type: single nucleotide variant.
Coding change: c.938T>C on transcript NM_017763.6 (MANE Select); coding-DNA position 938, T replaced by C.
Protein change: p.Met313Thr; replaces methionine 313 with threonine.
Molecular consequence: missense variant.
Genome position (GRCh38, 1-based): chr17:58,360,163, A>G on the plus strand (T>C on the coding strand, the complement: RNF43 is on the minus strand). VCF-style: chr17-58360163-A-G. GRCh37 (hg19) VCF-style: chr17-56437524-A-G.
Other names: c.938T>C, p.Met313Thr (NM_001305544.3); c.557T>C, p.Met186Thr (NM_001305545.2); short protein forms M186T, M313T.
Identifiers: ClinVar variation 1047015 (VCV001047015.8), dbSNP rs143761715, ClinGen allele CA292013628.

ClinVar aggregate classification (germline): Uncertain significance (1 of 4 stars; one submission).

Allele frequency attached by ClinVar (database versions not stated): gnomAD exomes below 0.00001; ESP Exome Variant Server 0.00008.

Submission:

Labcorp Genetics (formerly Invitae), Labcorp
Classification: Uncertain significance. Last evaluated: 2020-10-06. Review status: criteria provided, single submitter. Criteria: Invitae Variant Classification Sherloc (09022015). Collection method: clinical testing. Allele origin: germline.
Comment: In summary, the available evidence is currently insufficient to determine the role of this variant in disease. Therefore, it has been classified as a Variant of Uncertain Significance. Algorithms developed to predict the effect of missense changes on protein structure and function are either unavailable or do not agree on the potential impact of this missense change (SIFT: "Deleterious"; PolyPhen-2: "Probably Damaging"; Align-GVGD: "Class C0"). This variant has not been reported in the literature in individuals with RNF43-related conditions. This variant is not present in population databases (ExAC no frequency). This sequence change replaces methionine with threonine at codon 313 of the RNF43 protein (p.Met313Thr). The methionine residue is highly conserved and there is a moderate physicochemical difference between methionine and threonine.